The following is an entry in ClinVar:

ClinVar aggregate classification (germline): Uncertain significance. Review status: criteria provided, multiple submitters, no conflicts (2 of 4 stars). 2 submissions from 2 submitters: Uncertain significance (2). Last evaluated 2024-01-28.

Conditions:
Hereditary cancer-predisposing syndrome. Also called: Hereditary neoplastic syndrome; Neoplastic Syndromes, Hereditary; Hereditary Cancer Syndrome; Tumor predisposition. Identifiers: Orphanet 140162, MedGen C0027672, MeSH D009386, MONDO:0015356.

Allele frequency attached by ClinVar (database versions not stated): gnomAD 0.00001.
gnomAD v4.1: 2 of 1,613,964 alleles (0.00012%); highest among the groups gnomAD compares: Admixed American, 0.0017%; no homozygotes.

Submissions (2):

Labcorp Genetics (formerly Invitae), Labcorp
Classification: Uncertain significance. Last evaluated: 2024-01-28. Review status: criteria provided, single submitter. Criteria: Invitae Variant Classification Sherloc (09022015). Collection method: clinical testing. Allele origin: germline.
Comment: This sequence change replaces arginine, which is basic and polar, with tryptophan, which is neutral and slightly polar, at codon 623 of the CTNNA1 protein (p.Arg623Trp). This variant is not present in population databases (gnomAD no frequency). This variant has not been reported in the literature in individuals affected with CTNNA1-related conditions. ClinVar contains an entry for this variant (Variation ID: 965152). Advanced modeling of protein sequence and biophysical properties (such as structural, functional, and spatial information, amino acid conservation, physicochemical variation, residue mobility, and thermodynamic stability) has been performed at Invitae for this missense variant, however the output from this modeling did not meet the statistical confidence thresholds required to predict the impact of this variant on CTNNA1 protein function. In summary, the available evidence is currently insufficient to determine the role of this variant in disease. Therefore, it has been classified as a Variant of Uncertain Significance.

Ambry Genetics
Classification: Uncertain significance for Hereditary cancer-predisposing syndrome. Last evaluated: 2022-12-09. Review status: criteria provided, single submitter. Criteria: Ambry Variant Classification Scheme 2023. Collection method: clinical testing. Allele origin: germline.
Comment: The p.R623W variant (also known as c.1867C>T), located in coding exon 12 of the CTNNA1 gene, results from a C to T substitution at nucleotide position 1867. The arginine at codon 623 is replaced by tryptophan, an amino acid with dissimilar properties. This amino acid position is highly conserved in available vertebrate species. In addition, the in silico prediction for this alteration is inconclusive. The evidence for this gene-disease relationship is limited; therefore, the clinical significance of this alteration is unclear.

NM_001903.5(CTNNA1):c.1867C>T (p.Arg623Trp)

Gene: CTNNA1 (catenin alpha 1; plus strand). Cytogenetic location: 5q31.2.
Variant type: single nucleotide variant.
Coding change: c.1867C>T on transcript NM_001903.5 (MANE Select); coding-DNA position 1867, C replaced by T.
Protein change: p.Arg623Trp; replaces arginine 623 with tryptophan.
Molecular consequence: missense variant.
Genome position (GRCh38, 1-based): chr5:138,925,375, C>T. VCF-style: chr5-138925375-C-T. GRCh37 (hg19) VCF-style: chr5-138261064-C-T.
Other names: c.1867C>T, p.Arg623Trp (NM_001290307.3, NM_001323982.2, NM_001323983.1 and 2 more transcripts); c.1558C>T, p.Arg520Trp (NM_001290309.3); c.1498C>T, p.Arg500Trp (NM_001290310.3); c.757C>T, p.Arg253Trp (NM_001290312.1, NM_001323987.1, NM_001323988.1 and 17 more transcripts); c.1774C>T, p.Arg592Trp (NM_001323986.2); c.418C>T, p.Arg140Trp (NM_001324006.1, NM_001324007.1, NM_001324008.1 and 2 more transcripts); c.664C>T, p.Arg222Trp (NM_001324011.1); c.514C>T, p.Arg172Trp (NM_001324012.1, NM_001324013.1); and 1 more; short protein forms R140W, R172W, R253W, R500W, R222W, R520W, R592W, R623W.
Identifiers: ClinVar variation 965152 (VCV000965152.9), dbSNP rs1561758858, ClinGen allele CA361132380.
Genomic context (GRCh38, chr5:138,925,375, plus strand): 5'-GCCCAGCCCATGGATGAGAATGAGTTTATCGATGCTTCCCGCCTGGTATATGATGGCATC[C>T]GGGACATCAGGAAAGCAGTGCTGATGATAAGGGTGAGTAACTGCATTTCAGACGTCTTAA-3'
Protein context (NP_001894.2, residues 613-633): DASRLVYDGI[Arg623Trp]DIRKAVLMIR